The following is an entry in ClinVar:

NM_018699.4(PRDM5):c.1312G>T (p.Asp438Tyr)

Gene: PRDM5 (PR/SET domain 5; minus strand). Cytogenetic location: 4q27.
Variant type: single nucleotide variant.
Coding change: c.1312G>T on transcript NM_018699.4 (MANE Select); coding-DNA position 1312, G replaced by T.
Protein change: p.Asp438Tyr; replaces aspartic acid 438 with tyrosine.
Molecular consequence: missense variant.
Genome position (GRCh38, 1-based): chr4:120,781,274, C>A on the plus strand (G>T on the coding strand, the complement: PRDM5 is on the minus strand). VCF-style: chr4-120781274-C-A. GRCh37 (hg19) VCF-style: chr4-121702429-C-A.
Other names: c.1219G>T, p.Asp407Tyr (NM_001300823.2, NM_001300824.2, NM_001379106.1); c.1345G>T, p.Asp449Tyr (NM_001379104.1); short protein forms D449Y, D407Y, D438Y.
Identifiers: ClinVar variation 1769705 (VCV001769705.2), dbSNP rs759022476, ClinGen allele CA358209170.

ClinVar aggregate classification (germline): Uncertain significance (1 of 4 stars; one submission).

Conditions:
Cardiovascular phenotype. Identifiers: MedGen CN230736.

Submission:

Ambry Genetics
Classification: Uncertain significance for Cardiovascular phenotype. Last evaluated: 2021-03-16. Review status: criteria provided, single submitter. Criteria: Ambry Variant Classification Scheme 2023. Collection method: clinical testing. Allele origin: germline.
Comment: The p.D438Y variant (also known as c.1312G>T), located in coding exon 12 of the PRDM5 gene, results from a G to T substitution at nucleotide position 1312. The aspartic acid at codon 438 is replaced by tyrosine, an amino acid with highly dissimilar properties. This amino acid position is well conserved in available vertebrate species. In addition, the in silico prediction for this alteration is inconclusive. Since supporting evidence is limited at this time, the clinical significance of this alteration remains unclear.